The following is an entry in ClinVar:

ClinVar aggregate classification (germline): Uncertain significance (1 of 4 stars; one submission).

Conditions:
Baller-Gerold syndrome (BGS). Also called: CRANIOSYNOSTOSIS WITH RADIAL DEFECTS. Identifiers: Orphanet 1225, MedGen C0265308, MONDO:0009039, OMIM 218600.

Submission:

Labcorp Genetics (formerly Invitae), Labcorp
Classification: Uncertain significance for Baller-Gerold syndrome. Last evaluated: 2025-02-26. Review status: criteria provided, single submitter. Criteria: Invitae Variant Classification Sherloc (09022015). Collection method: clinical testing. Allele origin: germline.
Comment: This sequence change replaces leucine, which is neutral and non-polar, with glutamine, which is neutral and polar, at codon 1043 of the RECQL4 protein (p.Leu1043Gln). This variant is not present in population databases (gnomAD no frequency). This variant has not been reported in the literature in individuals affected with RECQL4-related conditions. ClinVar contains an entry for this variant (Variation ID: 94892). Experimental studies and prediction algorithms are not available or were not evaluated, and the functional significance of this variant is currently unknown. In summary, the available evidence is currently insufficient to determine the role of this variant in disease. Therefore, it has been classified as a Variant of Uncertain Significance.

NM_004260.4(RECQL4):c.3127_3128delinsCA (p.Leu1043Gln)

Gene: RECQL4 (RecQ like helicase 4; minus strand). Cytogenetic location: 8q24.3.
Variant type: Indel.
Coding change: c.3127_3128delinsCA on transcript NM_004260.4 (MANE Select); coding-DNA positions 3127 to 3128, TT replaced by CA.
Protein change: p.Leu1043Gln; replaces leucine 1043 with glutamine.
Molecular consequence: missense variant.
Genome position (GRCh38, 1-based): chr8:144,512,252-144,512,253, AA replaced by TG on the plus strand (TT replaced by CA on the coding strand, the reverse complement: RECQL4 is on the minus strand). VCF-style: chr8-144512252-AA-TG. GRCh37 (hg19) VCF-style: chr8-145737635-AA-TG.
Other names: short protein forms L1043Q.
Identifiers: ClinVar variation 1063277 (VCV001063277.3), dbSNP rs2130659424, ClinGen allele CA2499219177.